The following is an entry in ClinVar:

NM_145045.5(ODAD3):c.766G>A (p.Val256Met)

Gene: ODAD3 (outer dynein arm docking complex subunit 3; minus strand). Cytogenetic location: 19p13.2.
Variant type: single nucleotide variant.
Coding change: c.766G>A on transcript NM_145045.5 (MANE Select); coding-DNA position 766, G replaced by A.
Protein change: p.Val256Met; replaces valine 256 with methionine.
Molecular consequence: missense variant.
Genome position (GRCh38, 1-based): chr19:11,426,520, C>T on the plus strand (G>A on the coding strand, the complement: ODAD3 is on the minus strand). VCF-style: chr19-11426520-C-T. GRCh37 (hg19) VCF-style: chr19-11537340-C-T.
Other names: c.604G>A, p.Val202Met (NM_001302453.1); c.586G>A, p.Val196Met (NM_001302454.2); short protein forms V196M, V202M, V256M.
Identifiers: ClinVar variation 945948 (VCV000945948.9), dbSNP rs1298588458, ClinGen allele CA404123633.

ClinVar aggregate classification (germline): Uncertain significance (1 of 4 stars; one submission).

Conditions:
Primary ciliary dyskinesia 30. Also called: CILIARY DYSKINESIA, PRIMARY, 30, WITH OR WITHOUT SITUS INVERSUS. Identifiers: Orphanet 244, MedGen C4015016, MONDO:0014465, OMIM 616037.

Allele frequency attached by ClinVar (database versions not stated): TOPMed below 0.00001; gnomAD exomes 0.00001.
gnomAD v4.1: 9 of 1,614,058 alleles (0.00056%); highest among the groups gnomAD compares: East Asian, 0.013%; no homozygotes.

Submission:

Labcorp Genetics (formerly Invitae), Labcorp
Classification: Uncertain significance for Primary ciliary dyskinesia 30. Last evaluated: 2023-08-17. Review status: criteria provided, single submitter. Criteria: Invitae Variant Classification Sherloc (09022015). Collection method: clinical testing. Allele origin: germline.
Comment: This sequence change replaces valine, which is neutral and non-polar, with methionine, which is neutral and non-polar, at codon 256 of the CCDC151 protein (p.Val256Met). This variant is not present in population databases (gnomAD no frequency). This variant has not been reported in the literature in individuals affected with CCDC151-related conditions. ClinVar contains an entry for this variant (Variation ID: 945948). Algorithms developed to predict the effect of missense changes on protein structure and function output the following: SIFT: "Not Available"; PolyPhen-2: "Possibly Damaging"; Align-GVGD: "Not Available". The methionine amino acid residue is found in multiple mammalian species, which suggests that this missense change does not adversely affect protein function. In summary, the available evidence is currently insufficient to determine the role of this variant in disease. Therefore, it has been classified as a Variant of Uncertain Significance.